The following is an entry in ClinVar:

ClinVar aggregate classification (germline): Conflicting classifications of pathogenicity. Review status: criteria provided, conflicting classifications (1 of 4 stars). 2 submissions from 2 submitters: Uncertain significance (1); Likely benign (1). Last evaluated 2026-05-28.

Conditions:
LAMC1-related disorder. Also called: LAMC1-related condition.

Allele frequency attached by ClinVar (database versions not stated): gnomAD 0.00008; TOPMed 0.00008; ExAC 0.00009; gnomAD exomes 0.00010.
gnomAD v4.1: 176 of 1,613,948 alleles (0.011%); highest among the groups gnomAD compares: Middle Eastern, 0.51%; 1 homozygote.

Submissions (2):

PreventionGenetics, part of Exact Sciences
Classification: Likely benign for LAMC1-related condition. Last evaluated: 2026-05-28. Review status: criteria provided, single submitter. Criteria: ACMG Guidelines, 2015. Collection method: clinical testing. Allele origin: germline.
Comment: This variant is classified as likely benign based on ACMG/AMP sequence variant interpretation guidelines (Richards et al. 2015 PMID: 25741868, with internal and published modifications).

Ambry Genetics
Classification: Uncertain significance. Last evaluated: 2021-10-20. Review status: criteria provided, single submitter. Criteria: Ambry Variant Classification Scheme 2023. Collection method: clinical testing. Allele origin: germline.

NM_002293.4(LAMC1):c.2672C>T (p.Thr891Ile)

Gene: LAMC1 (laminin subunit gamma 1; plus strand). Cytogenetic location: 1q25.3.
Variant type: single nucleotide variant.
Coding change: c.2672C>T on transcript NM_002293.4 (MANE Select); coding-DNA position 2672, C replaced by T.
Protein change: p.Thr891Ile; replaces threonine 891 with isoleucine.
Molecular consequence: missense variant.
Genome position (GRCh38, 1-based): chr1:183,125,421, C>T. VCF-style: chr1-183125421-C-T. GRCh37 (hg19) VCF-style: chr1-183094556-C-T.
Other names: short protein forms T891I.
Identifiers: ClinVar variation 2357500 (VCV002357500.3), dbSNP rs763761926, ClinGen allele CA1281435.
Genomic context (GRCh38, chr1:183,125,421, plus strand): 5'-TTTGTGTCTTTTGCCATCTCTGTCTTCCTGCCTTAGCCTGCAATTGCAATCTGTATGGGA[C>T]CATGAAGCAGCAGAGCAGCTGTAACCCCGTGACGGGGCAGTGTGAATGTTTGCCTCACGT-3'
Protein context (NP_002284.3, residues 881-901): CKACNCNLYG[Thr891Ile]MKQQSSCNPV